The following is an entry in ClinVar:

NM_006413.5(RPP30):c.693T>C (p.His231=)

Gene: RPP30 (ribonuclease P/MRP subunit p30; plus strand). Cytogenetic location: 10q23.31.
Variant type: single nucleotide variant.
Coding change: c.693T>C on transcript NM_006413.5 (MANE Select); coding-DNA position 693, T replaced by C.
Protein change: p.His231=; no amino-acid change (histidine 231 retained).
Molecular consequence: synonymous variant.
Genome position (GRCh38, 1-based): chr10:90,896,388, T>C. VCF-style: chr10-90896388-T-C. GRCh37 (hg19) VCF-style: chr10-92656145-T-C.
Other names: c.693T>C, p.His231= (NM_001104546.2).
Identifiers: ClinVar variation 2640673 (VCV002640673.24), dbSNP rs146033404, ClinGen allele CA5598473.

ClinVar aggregate classification (germline): Likely benign (1 of 4 stars; one submission).

Allele frequency attached by ClinVar (database versions not stated): ESP Exome Variant Server 0.00023; gnomAD exomes 0.00028; gnomAD 0.00029; ExAC 0.00032; TOPMed 0.00034.
gnomAD v4.1: 473 of 1,613,670 alleles (0.029%); highest among the groups gnomAD compares: Middle Eastern, 0.64%; 4 homozygotes.

Submission:

CeGaT Center for Human Genetics Tuebingen
Classification: Likely benign. Last evaluated: 2023-03-01. Review status: criteria provided, single submitter. Criteria: CeGaT Center For Human Genetics Tuebingen Variant Classification Criteria Version 2. Collection method: clinical testing. Allele origin: germline. Affected: yes. Observed: 1 variant allele.
Comment: RPP30: BP4, BP7